The following is an entry in ClinVar:

ClinVar aggregate classification (germline): Uncertain significance (1 of 4 stars; one submission).

Conditions:
Familial thoracic aortic aneurysm and aortic dissection (TAAD). Also called: Thoracic aortic aneurysms and dissections. Identifiers: Orphanet 91387, MedGen C4707243, MONDO:0019625.

Submission:

Ambry Genetics
Classification: Uncertain significance for Familial thoracic aortic aneurysm and aortic dissection. Last evaluated: 2026-04-14. Review status: criteria provided, single submitter. Criteria: Ambry Variant Classification Scheme 2023. Collection method: clinical testing. Allele origin: germline.
Comment: The p.F1820S variant (also known as c.5459T>C), located in coding exon 66 of the COL5A1 gene, results from a T to C substitution at nucleotide position 5459. The phenylalanine at codon 1820 is replaced by serine, an amino acid with highly dissimilar properties. This amino acid position is conserved. In addition, this alteration is predicted to be deleterious by in silico analysis. Based on the available evidence, the clinical significance of this variant remains unclear.

NM_000093.5(COL5A1):c.5459T>C (p.Phe1820Ser)

Genes: COL5A1 (collagen type V alpha 1 chain; plus strand), LOC101448202 (uncharacterized LOC101448202; minus strand). Cytogenetic location: 9q34.3.
Variant type: single nucleotide variant.
Coding change: c.5459T>C on transcript NM_000093.5 (MANE Select); coding-DNA position 5459, T replaced by C.
Protein change: p.Phe1820Ser; replaces phenylalanine 1820 with serine.
Molecular consequence: missense variant.
Genome position (GRCh38, 1-based): chr9:134,842,245, T>C. VCF-style: chr9-134842245-T-C. GRCh37 (hg19) VCF-style: chr9-137734091-T-C.
Other names: c.5459T>C, p.Phe1820Ser (NM_001278074.1); short protein forms F1820S.
Identifiers: ClinVar variation 4869241 (VCV004869241.1).